The following is an entry in ClinVar:

NM_004006.3(DMD):c.837G>A (p.Thr279=)

Gene: DMD (dystrophin; minus strand). Cytogenetic location: Xp21.1.
Variant type: single nucleotide variant.
Coding change: c.837G>A on transcript NM_004006.3 (MANE Select); coding-DNA position 837, G replaced by A.
Protein change: p.Thr279=; no amino-acid change (threonine 279 retained).
Molecular consequence: synonymous variant.
Genome position (GRCh38, 1-based): chrX:32,697,993, C>T on the plus strand (G>A on the coding strand, the complement: DMD is on the minus strand). VCF-style: chrX-32697993-C-T. GRCh37 (hg19) VCF-style: chrX-32716110-C-T.
Other names: p.T279T:ACG>ACA; p.Thr279=; c.813G>A, p.Thr271= (NM_000109.4); c.825G>A, p.Thr275= (NM_004009.3); c.468G>A, p.Thr156= (NM_004010.3).
Identifiers: ClinVar variation 94805 (VCV000094805.42), dbSNP rs1800265, ClinGen allele CA285613.

ClinVar aggregate classification (germline): Benign/Likely benign. Review status: criteria provided, multiple submitters, no conflicts (2 of 4 stars). 15 submissions from 15 submitters: Benign (13); Likely benign (1). 1 of the submissions does not count toward it. Last evaluated 2026-03-27.

Conditions:
Becker muscular dystrophy (BMD). Also called: MUSCULAR DYSTROPHY, PSEUDOHYPERTROPHIC PROGRESSIVE, BECKER TYPE; Becker Muscular Dystrophy (BMD). Identifiers: Orphanet 98895, MedGen C0917713, MONDO:0010311, OMIM 300376.
Duchenne muscular dystrophy (DMD). Also called: Duchenne Muscular Dystrophy (DMD); MUSCULAR DYSTROPHY, PSEUDOHYPERTROPHIC PROGRESSIVE, DUCHENNE TYPE. Identifiers: Orphanet 98896, MedGen C0013264, MONDO:0010679, OMIM 310200.
Cardiomyopathy (CMYO). Also called: Cardiomyopathies. Identifiers: Orphanet 167848, MedGen C0878544, MONDO:0004994, HP:0001638. Inheritance: Various modes of inheritance.
Dystrophin deficiency.
Cardiovascular phenotype. Identifiers: MedGen CN230736.
Dilated cardiomyopathy 3B (CMD3B). Also called: CMD3B: DMD-Related Dilated Cardiomyopathy; CARDIOMYOPATHY, DILATED, X-LINKED; DMD-Associated Dilated Cardiomyopathy. Identifiers: Orphanet 154, MedGen C3668940, MONDO:0010542, OMIM 302045.

Allele frequency attached by ClinVar (database versions not stated): gnomAD 0.12849; 1000 Genomes Project 0.15099; 1000 Genomes Project 30x 0.15817; TOPMed 0.16722; ESP Exome Variant Server 0.17613; gnomAD exomes 0.04902; ExAC 0.08661.
gnomAD v4.1: 33,855 of 1,189,000 alleles (2.8%); highest among the groups gnomAD compares: African/African-American, 48%; 5,191 homozygotes.

Submissions (15):

Molecular Diagnostic Laboratory for Inherited Cardiovascular Disease, Montreal Heart Institute
Classification: Benign. Last evaluated: 2026-03-27. Review status: criteria provided, single submitter. Criteria: ACMG Guidelines, 2015. Collection method: clinical testing. Allele origin: germline. Affected: no.
Comment: BA1

Labcorp Genetics (formerly Invitae), Labcorp
Classification: Benign for Duchenne muscular dystrophy. Last evaluated: 2026-02-04. Review status: criteria provided, single submitter. Criteria: Invitae Variant Classification Sherloc (09022015). Collection method: clinical testing. Allele origin: germline.

ARUP Laboratories, Molecular Genetics and Genomics, ARUP Laboratories
Classification: Benign. Last evaluated: 2025-07-22. Review status: criteria provided, single submitter. Criteria: ARUP Molecular Germline Variant Investigation Process 2024. Collection method: clinical testing. Allele origin: germline.

Blueprint Genetics
Classification: Likely benign. Last evaluated: 2024-11-28. Review status: criteria provided, single submitter. Criteria: ACMG Guidelines, 2015. Collection method: clinical testing. Allele origin: germline.

Mayo Clinic Laboratories, Mayo Clinic
Classification: Benign. Last evaluated: 2023-01-15. Review status: criteria provided, single submitter. Criteria: ACMG Guidelines, 2015. Collection method: clinical testing. Allele origin: germline. Observed: 156 variant alleles.

Athena Diagnostics
Classification: Benign. Last evaluated: 2021-04-22. Review status: criteria provided, single submitter. Criteria: Athena Diagnostics Criteria. Collection method: clinical testing. Allele origin: unknown.

Women's Health and Genetics/Laboratory Corporation of America, LabCorp
Classification: Benign. Last evaluated: 2018-07-19. Review status: criteria provided, single submitter. Criteria: LabCorp Variant Classification Summary - May 2015. Collection method: clinical testing. Allele origin: germline.
Comment: Variant summary: DMD c.837G>A results in a synonymous change. The variant allele was found at a frequency of 0.087 in 40353 control chromosomes, predominantly at a frequency of 0.52 within the African or African-American subpopulation in the ExAC database, including 620 homozygotes. The observed variant frequency within African or African-American control individuals in the ExAC database is approximately 46.51 fold of the estimated maximal expected allele frequency for a pathogenic variant in DMD causing Dystrophiopathies phenotype (0.011), strongly suggesting that the variant is a benign polymorphism found primarily in populations of African or African-American origin. To our knowledge, no occurrence of c.837G>A in individuals affected with Dystrophiopathies and no experimental evidence demonstrating its impact on protein function have been reported. Six clinical diagnostic laboratories have submitted clinical-significance assessments for this variant to ClinVar after 2014 without evidence for independent evaluation. All laboratories classified the variant as benign/likely benign. Based on the evidence outlined above, the variant was classified as benign.

Illumina Laboratory Services, Illumina
Classification: Benign for Dilated cardiomyopathy 3B. Last evaluated: 2018-01-12. Review status: criteria provided, single submitter. Criteria: ICSL Variant Classification Criteria 13 December 2019. Collection method: clinical testing. Allele origin: germline.
Comment: This variant was observed in the ICSL laboratory as part of a predisposition screen in an ostensibly healthy population. It had not been previously curated by ICSL or reported in the Human Gene Mutation Database (HGMD: prior to June 1st, 2018), and was therefore a candidate for classification through an automated scoring system. Utilizing variant allele frequency, disease prevalence and penetrance estimates, and inheritance mode, an automated score was calculated to assess if this variant is too frequent to cause the disease. Based on the score and internal cut-off values, a variant classified as benign is not then subjected to further curation. The score for this variant resulted in a classification of benign for this disease.

Eurofins Ntd Llc (ga)
Classification: Benign. Last evaluated: 2015-11-11. Review status: criteria provided, single submitter. Criteria: EGL Classification Definitions 2015. Collection method: clinical testing. Allele origin: germline. Observed: 77 variant alleles, 12 heterozygotes, 12 homozygotes, 53 hemizygotes.

Ambry Genetics
Classification: Benign for Cardiovascular phenotype. Last evaluated: 2015-06-26. Review status: criteria provided, single submitter. Criteria: Ambry Variant Classification Scheme 2023. Collection method: clinical testing. Allele origin: germline.

Laboratory for Molecular Medicine, Mass General Brigham Personalized Medicine
Classification: Benign. Last evaluated: 2015-01-13. Review status: criteria provided, single submitter. Criteria: LMM Criteria. Collection method: clinical testing. Allele origin: germline. Observed: 56 variant alleles.
Comment: p.Thr279Thr in exon 09 of DMD: This variant is not expected to have clinical sig nificance because it does not alter an amino acid residue and is not located wit hin the splice consensus sequence. It has been identified in 48% (1838/3833) of African American chromosomes by the NHLBI Exome Sequencing Project (s.; dbSNP rs1800265).

GeneDx
Classification: Benign. Last evaluated: 2014-01-17. Review status: criteria provided, single submitter. Criteria: GeneDx Variant Classification (06012015). Collection method: clinical testing. Allele origin: germline. Affected: yes.
Comment: This variant is considered likely benign or benign based on one or more of the following criteria: it is a conservative change, it occurs at a poorly conserved position in the protein, it is predicted to be benign by multiple in silico algorithms, and/or has population frequency not consistent with disease.

Breakthrough Genomics
Classification: Benign. Review status: criteria provided, single submitter. Criteria: ACMG Guidelines, 2015. Collection method: not provided. Allele origin: germline. Inheritance: X-linked inheritance. Affected: yes.

PreventionGenetics, part of Exact Sciences
Classification: Benign. Review status: criteria provided, single submitter. Criteria: ACMG Guidelines, 2015. Collection method: clinical testing. Allele origin: germline.

Natera, Inc.
Classification: Benign for Becker muscular dystrophy; Cardiomyopathy; Duchenne muscular dystrophy; Dystrophin deficiency. Last evaluated: 2017-04-20. Review status: no assertion criteria provided. Collection method: clinical testing. Allele origin: germline. Not counted in ClinVar's aggregate classification.